The following is an entry in ClinVar:

ClinVar aggregate classification (germline): Uncertain significance (1 of 4 stars; one submission).

Allele frequency attached by ClinVar (database versions not stated): gnomAD exomes below 0.00001 and 0.00001; TOPMed 0.00001; gnomAD 0.00001.
gnomAD v4.1: 10 of 1,612,124 alleles (0.00062%); highest among the groups gnomAD compares: Non-Finnish European, 0.00085%; no homozygotes.

Submission:

GeneDx
Classification: Uncertain significance. Last evaluated: 2026-01-06. Review status: criteria provided, single submitter. Criteria: GeneDx Variant Classification Process June 2021. Collection method: clinical testing. Allele origin: germline. Affected: yes.
Comment: Observed in an individual with younger-onset apparently sporadic small vessel disease stroke (PMID: 31719132); Observed in an individual with childhood epileptic encephalopathy, co-occuring with homozygous WWOX variant c.911C>A (p.Ser304Tyr) (PMID: 39416860); In silico analysis supports that this missense variant has a deleterious effect on protein structure/function; Not observed at significant frequency in large population cohorts (gnomAD); This variant is associated with the following publications: (PMID: 31719132, 39416860)

NM_001127222.2(CACNA1A):c.4646A>G (p.Gln1549Arg)

Gene: CACNA1A (calcium voltage-gated channel subunit alpha1 A; minus strand). Cytogenetic location: 19p13.13.
Variant type: single nucleotide variant.
Coding change: c.4646A>G on transcript NM_001127222.2 (MANE Select); coding-DNA position 4646, A replaced by G.
Protein change: p.Gln1549Arg; replaces glutamine 1549 with arginine.
Molecular consequence: missense variant.
Genome position (GRCh38, 1-based): chr19:13,255,204, T>C on the plus strand (A>G on the coding strand, the complement: CACNA1A is on the minus strand). VCF-style: chr19-13255204-T-C. GRCh37 (hg19) VCF-style: chr19-13366018-T-C.
Other names: c.4658A>G, p.Gln1553Arg (NM_000068.4, NM_023035.3); c.4649A>G, p.Gln1550Arg (NM_001127221.2, NM_001174080.2); short protein forms Q1549R, Q1550R, Q1553R.
Identifiers: ClinVar variation 1306918 (VCV001306918.4), dbSNP rs759263620, ClinGen allele CA305535301.